The following is an entry in ClinVar:

NM_000059.4(BRCA2):c.4459A>T (p.Lys1487Ter)

Gene: BRCA2 (BRCA2 DNA repair associated; plus strand). Cytogenetic location: 13q13.1.
Variant type: single nucleotide variant.
Coding change: c.4459A>T on transcript NM_000059.4 (MANE Select); coding-DNA position 4459, A replaced by T.
Protein change: p.Lys1487Ter; replaces lysine 1487 with a stop codon.
Molecular consequence: nonsense. On other transcripts: non-coding transcript variant (1), intron variant (2).
Genome position (GRCh38, 1-based): chr13:32,338,814, A>T. VCF-style: chr13-32338814-A-T. GRCh37 (hg19) VCF-style: chr13-32912951-A-T.
Other names: c.1909+5427A>T (NM_001406721.1); c.425-5744A>T (NM_001406722.1); c.4459A>T, p.Lys1487Ter (NM_001406719.1, NM_001406720.1, NM_001432077.1); short protein forms K1487*.
Identifiers: ClinVar variation 4757016 (VCV004757016.1).
Genomic context (GRCh38, chr13:32,338,814, plus strand): 5'-CATTCTGACATAAGAAAGAACAAAATGGACATTCTAAGTTATGAGGAAACAGACATAGTT[A>T]AACACAAAATACTGAAAGAAAGTGTCCCAGTTGGTACTGGAAATCAACTAGTGACCTTCC-3'

ClinVar aggregate classification (germline): Pathogenic (1 of 4 stars; one submission).

Conditions:
Hereditary cancer-predisposing syndrome. Also called: Tumor predisposition; Hereditary Cancer Syndrome; Neoplastic Syndromes, Hereditary; Hereditary neoplastic syndrome. Identifiers: Orphanet 140162, MedGen C0027672, MeSH D009386, MONDO:0015356.

gnomAD v4.1: 1 of 1,613,768 alleles (0.000062%); highest among the groups gnomAD compares: Non-Finnish European, 0.000085%; no homozygotes.

Submission:

Color Diagnostics, LLC DBA Color Health
Classification: Pathogenic for Hereditary cancer-predisposing syndrome. Last evaluated: 2025-06-24. Review status: criteria provided, single submitter. Criteria: ACMG Guidelines, 2015. Collection method: clinical testing. Allele origin: germline.
Comment: This variant changes 1 nucleotide in exon 11 of the BRCA2 gene, creating a premature translation stop signal. This variant is expected to result in an absent or non-functional protein product. To our knowledge, this variant has not been reported in individuals affected with BRCA2-related disorders in the literature. This variant has not been identified in the general population by the Genome Aggregation Database (gnomAD). Loss of BRCA2 function is a known mechanism of disease. Based on the available evidence, this variant is classified as Pathogenic.